The following is an entry in ClinVar:

ClinVar aggregate classification (germline): Uncertain significance (1 of 4 stars; one submission).

Conditions:
Hereditary cancer-predisposing syndrome. Also called: Neoplastic Syndromes, Hereditary; Tumor predisposition; Hereditary Cancer Syndrome; Hereditary neoplastic syndrome. Identifiers: Orphanet 140162, MedGen C0027672, MeSH D009386, MONDO:0015356.

Submission:

Ambry Genetics
Classification: Uncertain significance for Hereditary cancer-predisposing syndrome. Last evaluated: 2022-07-20. Review status: criteria provided, single submitter. Criteria: Ambry Variant Classification Scheme 2023. Collection method: clinical testing. Allele origin: germline.
Comment: The c.3367_3369delGGGinsTGT variant (also known as p.G1123C), located in coding exon 28 of the TSC2 gene, results from an in-frame deletion of GGG and insertion of TGT at nucleotide positions 3367 to 3369. This results in the substitution of the glycine residue for a cysteine residue at codon 1123, an amino acid with highly dissimilar properties. This amino acid position is well conserved in available vertebrate species. In addition, the in silico prediction for this alteration is inconclusive (Choi Y et al. PLoS ONE. 2012; 7(10):e46688). Since supporting evidence is limited at this time, the clinical significance of this alteration remains unclear.

NM_000548.5(TSC2):c.3367_3369delinsTGT (p.Gly1123Cys)

Gene: TSC2 (TSC complex subunit 2; plus strand). Cytogenetic location: 16p13.3.
Variant type: Indel.
Coding change: c.3367_3369delinsTGT on transcript NM_000548.5 (MANE Select); coding-DNA positions 3367 to 3369, GGG replaced by TGT.
Protein change: p.Gly1123Cys; replaces glycine 1123 with cysteine.
Molecular consequence: missense variant.
Genome position (GRCh38, 1-based): chr16:2,079,639-2,079,641, GGG replaced by TGT. VCF-style: chr16-2079639-GGG-TGT. GRCh37 (hg19) VCF-style: chr16-2129640-GGG-TGT.
Other names: c.3235_3237delinsTGT, p.Gly1079Cys (NM_001077183.3, NM_001370404.1); c.3367_3369delinsTGT, p.Gly1123Cys (NM_001114382.3); c.3127_3129delinsTGT, p.Gly1043Cys (NM_001318827.2); c.3091_3093delinsTGT, p.Gly1031Cys (NM_001318829.2); c.2635_2637delinsTGT, p.Gly879Cys (NM_001318831.2); c.3268_3270delinsTGT, p.Gly1090Cys (NM_001318832.2); c.3238_3240delinsTGT, p.Gly1080Cys (NM_001363528.2, NM_001370405.1, NM_021055.3); c.3364_3366delGGGinsTGT, p.Gly1122Cys (NM_001406663.1, NM_001406664.1); and 20 more; short protein forms G1073C, G1076C, G1090C, G1110C, G631C, G632C, G922C, G1030C.
Identifiers: ClinVar variation 1730665 (VCV001730665.2), dbSNP rs2544070127, ClinGen allele CA2580090975.